The following is an entry in ClinVar:

NM_000187.4(HGD):c.688C>T (p.Pro230Ser)

Gene: HGD (homogentisate 1,2-dioxygenase; minus strand). Cytogenetic location: 3q13.33.
Variant type: single nucleotide variant.
Coding change: c.688C>T on transcript NM_000187.4 (MANE Select); coding-DNA position 688, C replaced by T.
Protein change: p.Pro230Ser; replaces proline 230 with serine.
Molecular consequence: missense variant.
Genome position (GRCh38, 1-based): chr3:120,644,405, G>A on the plus strand (C>T on the coding strand, the complement: HGD is on the minus strand). VCF-style: chr3-120644405-G-A. GRCh37 (hg19) VCF-style: chr3-120363252-G-A.
Other names: short protein forms P230S.
Identifiers: ClinVar variation 3165 (VCV000003165.25), dbSNP rs28942100, ClinGen allele CA340042.
Genomic context (GRCh38, chr3:120,644,405, plus strand): 5'-GGTATTTATTAATGACCGTGTAACCACCTGGTACTTGGCGATCCTCATACCAGGCAATGG[G>A]TATCAAGAAATCACGAGGATTGGCCAAGCCATTGGCCCCTAGAAAACAGTAACCCAAAAG-3'
Protein context (NP_000178.2, residues 220-240): GLANPRDFLI[Pro230Ser]IAWYEDRQVP

ClinVar aggregate classification (germline): Pathogenic. Review status: criteria provided, multiple submitters, no conflicts (2 of 4 stars). 9 submissions from 9 submitters: Pathogenic (5). 4 of the submissions do not count toward it. Last evaluated 2026-08-06.

Conditions:
HGD-related disorders.
Alkaptonuria (AKU). Also called: Alkaptonuric ochronosis; Alcaptonuria; HOMOGENTISIC ACID OXIDASE DEFICIENCY; Homogentisic acidura. Identifiers: Orphanet 56, MedGen C0002066, MONDO:0008753, OMIM 203500.

Allele frequency attached by ClinVar (database versions not stated): TOPMed 0.00002; ExAC 0.00003; gnomAD 0.00003; gnomAD exomes 0.00004 and 0.00005; 1000 Genomes Project 30x 0.00016; 1000 Genomes Project 0.00020.

Submissions (9):

OLLIN Analises Genomicas, OLLIN
Classification: Pathogenic for Alkaptonuria. Last evaluated: 2026-08-06. Review status: criteria provided, single submitter. Criteria: ACMG Guidelines 2015 PMID 25741868. Collection method: clinical testing. Allele origin: germline. Inheritance: Autosomal recessive inheritance.
Comment: This missense variant, located in exon 10 (of 14), has been reported in ClinVar (accession VCV002627715.1), in gnomAD with an allele frequency of 0.0046%, and in the scientific literature, segregating with the phenotype and in compound heterozygosity, in individuals with HGD related disorders (PMID: 8782815, 9674916, 19862842, 23430897, 25681086). In silico analysis predicts that this variant has a deleterious effect. Another pathogenic variant affecting the same amino acid residue has been reported. According to the currently available evidence, this variant has been classified as pathogenic (PM2_P, PM3_VS, PM5, PP1_S, PP3_S).

Labcorp Genetics (formerly Invitae), Labcorp
Classification: Pathogenic for Alkaptonuria. Last evaluated: 2025-09-04. Review status: criteria provided, single submitter. Criteria: Invitae Variant Classification Sherloc (09022015). Collection method: clinical testing. Allele origin: germline.
Comment: This sequence change replaces proline, which is neutral and non-polar, with serine, which is neutral and polar, at codon 230 of the HGD protein (p.Pro230Ser). This variant is present in population databases (rs28942100, gnomAD 0.009%). This missense change has been observed in individual(s) with alkaptonuria (PMID: 8782815, 9674916, 10482952, 10970188, 19862842, 25681086). In at least one individual the data is consistent with being in trans (on the opposite chromosome) from a pathogenic variant. It has also been observed to segregate with disease in related individuals. ClinVar contains an entry for this variant (Variation ID: 3165). Invitae Evidence Modeling of protein sequence and biophysical properties (such as structural, functional, and spatial information, amino acid conservation, physicochemical variation, residue mobility, and thermodynamic stability) indicates that this missense variant is expected to disrupt HGD protein function with a positive predictive value of 95%. For these reasons, this variant has been classified as Pathogenic.

Blueprint Genetics
Classification: Pathogenic for HGD-related disorders. Last evaluated: 2024-10-17. Review status: criteria provided, single submitter. Criteria: ACMG Guidelines, 2015. Collection method: clinical testing. Allele origin: germline. Affected: yes. Observed: 5 variant alleles.

Fulgent Genetics
Classification: Pathogenic for Alkaptonuria. Last evaluated: 2022-03-04. Review status: criteria provided, single submitter. Criteria: ACMG Guidelines, 2015. Collection method: clinical testing. Allele origin: unknown.

Illumina Laboratory Services, Illumina
Classification: Pathogenic for Alkaptonuria. Last evaluated: 2017-04-27. Review status: criteria provided, single submitter. Criteria: ICSL Variant Classification Criteria 09 May 2019. Collection method: clinical testing. Allele origin: germline.
Comment: The HGD c.688C>T (p.Pro230Ser) variant has been identified in a homozygous state in 18 individuals (15 of whom were from one family) and in a compound heterozygous state in eight individuals (including two siblings) with alkaptonuria (Fernandez-Canon et al. 1996; Ramos et al. 1998; Vilboux et al. 2009; Zatkova et al. 2012; Usher et al. 2015). The p.Pro230Ser variant has also been detected in a heterozygous state in at least five unaffected family members and has been shown to segregate with disease in an autosomal recessive pattern in three pedigrees (Fernandez-Canon et al. 1996; Ramos et al. 1998). The p.Pro230Ser variant was absent from 118 controls and is reported at a frequency of 0.00005 in the European (non-Finnish) population of the Exome Aggregation Consortium. Functional studies in E. coli demonstrated that the variant resulted in a complete absence of enzyme activity (Fernandez-Canon et al. 1996). Based on the collective evidence, the p.Pro230Ser variant is classified as pathogenic for alkaptonuria. This variant was observed by ICSL as part of a predisposition screen in an ostensibly healthy population.

Counsyl
Classification: Pathogenic for Alkaptonuria. Last evaluated: 2016-03-08. Review status: no assertion criteria provided. Collection method: clinical testing. Allele origin: unknown. Not counted in ClinVar's aggregate classification.

OMIM
Classification: Pathogenic for ALKAPTONURIA. Last evaluated: 1998-06-30. Review status: no assertion criteria provided. Collection method: literature only. Allele origin: germline. Not counted in ClinVar's aggregate classification.

Department Of Human Genetics, Institute Of Clinical And Translational Research, Biomedical Research Center, Slovak Academy Of Sciences
Classification: Pathogenic for Alkaptonuria. Review status: no assertion criteria provided. Collection method: research. Allele origin: germline. Inheritance: Autosomal recessive inheritance. Affected: yes. Observed: 36 variant alleles. Not counted in ClinVar's aggregate classification.
Comment: The variant was originally described in AKU patient in PMID:10594001. It has been submitted to the HGD gene mutation database (DB-ID: AKU_00074).

GeneReviews
No classification provided. Condition: Alkaptonuria. Review status: no classification provided. Collection method: literature only. Allele origin: germline. Not counted in ClinVar's aggregate classification.
Comment: Frequent missense variant

Literature cited by the submitters: PubMed 8782815 (cited by 5 submitters); PubMed 9674916 (cited by 4 submitters); PubMed 19862842 (cited by 3 submitters); PubMed 23430897 (cited by OLLIN Analises Genomicas, OLLIN and Illumina Laboratory Services, Illumina); PubMed 25681086 (cited by 3 submitters); PubMed 10482952 (cited by Labcorp Genetics (formerly Invitae), Labcorp); PubMed 10970188 (cited by Labcorp Genetics (formerly Invitae), Labcorp); PubMed 1360590 (cited by OMIM); PubMed 10594001 (cited by Department Of Human Genetics, Institute Of Clinical And Translational Research, Biomedical Research Center, Slovak Academy Of Sciences); PubMed 20301627 (cited by GeneReviews).